The following is an entry in ClinVar:

NM_004364.5(CEBPA):c.83G>A (p.Ser28Asn)

Gene: CEBPA (CCAAT enhancer binding protein alpha; minus strand). Cytogenetic location: 19q13.11.
Variant type: single nucleotide variant.
Coding change: c.83G>A on transcript NM_004364.5 (MANE Select); coding-DNA position 83, G replaced by A.
Protein change: p.Ser28Asn; replaces serine 28 with asparagine.
Molecular consequence: missense variant. On other transcripts: 5 prime UTR variant (1).
Genome position (GRCh38, 1-based): chr19:33,302,332, C>T on the plus strand (G>A on the coding strand, the complement: CEBPA is on the minus strand). VCF-style: chr19-33302332-C-T. GRCh37 (hg19) VCF-style: chr19-33793238-C-T.
Other names: c.-275G>A (NM_001285829.2); c.188G>A, p.Ser63Asn (NM_001287424.2); c.41G>A, p.Ser14Asn (NM_001287435.2); c.83G>A (NM_004364.3); short protein forms S14N, S28N, S63N.
Identifiers: ClinVar variation 1423632 (VCV001423632.9), dbSNP rs2145264621, ClinGen allele CA405275712.

ClinVar aggregate classification (germline): Conflicting classifications of pathogenicity. Review status: criteria provided, conflicting classifications (1 of 4 stars). 2 submissions from 2 submitters: Uncertain significance (1); Likely benign (1). Last evaluated 2026-05-06.

Conditions:
Inborn genetic diseases. Identifiers: MedGen C0950123, MeSH D030342.
Acute myeloid leukemia (AML). Also called: Leukemia, acute myeloid, somatic; Leukemia, acute myelogenous, somatic; Acute myeloid leukemia, adult; AML adult; Acute non-lymphocytic leukemia; Acute granulocytic leukemia. Identifiers: Orphanet 519, MedGen C0023467, MeSH D015470, MONDO:0018874, OMIM 601626, HP:0004808. Disease mechanism: Constitutively activated FLT3.

Allele frequency attached by ClinVar (database versions not stated): gnomAD exomes below 0.00001.
gnomAD v4.1: 1 of 1,362,346 alleles (0.000073%); highest among the groups gnomAD compares: Non-Finnish European, 0.000095%; no homozygotes.

Submissions (2):

Ambry Genetics
Classification: Likely benign for Inborn genetic diseases. Last evaluated: 2026-05-06. Review status: criteria provided, single submitter. Criteria: Ambry Variant Classification Scheme 2023. Collection method: clinical testing. Allele origin: germline.

Labcorp Genetics (formerly Invitae), Labcorp
Classification: Uncertain significance for Acute myeloid leukemia. Last evaluated: 2021-06-12. Review status: criteria provided, single submitter. Criteria: Invitae Variant Classification Sherloc (09022015). Collection method: clinical testing. Allele origin: germline.
Comment: In summary, the available evidence is currently insufficient to determine the role of this variant in disease. Therefore, it has been classified as a Variant of Uncertain Significance. Algorithms developed to predict the effect of missense changes on protein structure and function output the following: SIFT: "Tolerated"; PolyPhen-2: "Benign"; Align-GVGD: "Class C0". The asparagine amino acid residue is found in multiple mammalian species, suggesting that this missense change does not adversely affect protein function. These predictions have not been confirmed by published functional studies and their clinical significance is uncertain. This variant has not been reported in the literature in individuals with CEBPA-related conditions. The frequency data for this variant in the population databases is considered unreliable, as metrics indicate insufficient coverage at this position in the ExAC database. This sequence change replaces serine with asparagine at codon 28 of the CEBPA protein (p.Ser28Asn). The serine residue is weakly conserved and there is a small physicochemical difference between serine and asparagine.